The following is an entry in ClinVar:

NM_001283009.2(RTEL1):c.3646G>C (p.Glu1216Gln)

Genes: RTEL1 (regulator of telomere elongation helicase 1; plus strand), RTEL1-TNFRSF6B (RTEL1-TNFRSF6B readthrough (NMD candidate); plus strand). Cytogenetic location: 20q13.33.
Variant type: single nucleotide variant.
Coding change: c.3646G>C on transcript NM_001283009.2 (MANE Select); coding-DNA position 3646, G replaced by C.
Protein change: p.Glu1216Gln; replaces glutamic acid 1216 with glutamine.
Molecular consequence: missense variant. On other transcripts: non-coding transcript variant (1).
Genome position (GRCh38, 1-based): chr20:63,695,474, G>C. VCF-style: chr20-63695474-G-C. GRCh37 (hg19) VCF-style: chr20-62326827-G-C.
Other names: c.2977G>C, p.Glu993Gln (NM_001283010.1); c.3646G>C, p.Glu1216Gln (NM_016434.4); c.3718G>C, p.Glu1240Gln (NM_032957.5); short protein forms E1216Q, E1240Q, E993Q.
Identifiers: ClinVar variation 4629520 (VCV004629520.1).

ClinVar aggregate classification (germline): Uncertain significance (1 of 4 stars; one submission).

Conditions:
Inborn genetic diseases. Identifiers: MedGen C0950123, MeSH D030342.

Submission:

Ambry Genetics
Classification: Uncertain significance for Inborn genetic diseases. Last evaluated: 2025-09-27. Review status: criteria provided, single submitter. Criteria: Ambry Variant Classification Scheme 2023. Collection method: clinical testing. Allele origin: germline.
Comment: The p.E1216Q variant (also known as c.3646G>C), located in coding exon 33 of the RTEL1 gene, results from a G to C substitution at nucleotide position 3646. The glutamic acid at codon 1216 is replaced by glutamine, an amino acid with highly similar properties. This amino acid position is conserved. In addition, this alteration is predicted to be tolerated by in silico analysis. Based on the available evidence, the clinical significance of this variant remains unclear.